The following is an entry in ClinVar:

NM_001009999.3(KDM1A):c.944G>A (p.Arg315Gln)

Gene: KDM1A (lysine demethylase 1A; plus strand). Cytogenetic location: 1p36.12.
Variant type: single nucleotide variant.
Coding change: c.944G>A on transcript NM_001009999.3 (MANE Select); coding-DNA position 944, G replaced by A.
Protein change: p.Arg315Gln; replaces arginine 315 with glutamine.
Molecular consequence: missense variant.
Genome position (GRCh38, 1-based): chr1:23,055,992, G>A. VCF-style: chr1-23055992-G-A. GRCh37 (hg19) VCF-style: chr1-23382485-G-A.
Other names: c.944G>A (NM_001009999.2); c.884G>A, p.Arg295Gln (NM_001363654.2, NM_001410763.1, NM_015013.4); c.944G>A, p.Arg315Gln (NM_001410762.1); short protein forms R295Q, R315Q.
Identifiers: ClinVar variation 3675679 (VCV003675679.3).
Genomic context (GRCh38, chr1:23,055,992, plus strand): 5'-CTAAAAAGACAGGAAAGGTAATTATTATAGGCTCTGGGGTCTCAGGCTTGGCAGCAGCTC[G>A]ACAGTTACAAAGTTTTGGAATGGATGTCACACTTTTGGAAGCCAGGGTAAGAATTTCATT-3'
Protein context (NP_001009999.1, residues 305-325): GSGVSGLAAA[Arg315Gln]QLQSFGMDVT

ClinVar aggregate classification (germline): Uncertain significance. Review status: criteria provided, multiple submitters, no conflicts (2 of 4 stars). 2 submissions from 2 submitters: Uncertain significance (2). Last evaluated 2025-02-11.

Conditions:
Inborn genetic diseases. Identifiers: MedGen C0950123, MeSH D030342.

Submissions (2):

Ambry Genetics
Classification: Uncertain significance for Inborn genetic diseases. Last evaluated: 2025-02-11. Review status: criteria provided, single submitter. Criteria: Ambry Variant Classification Scheme 2023. Collection method: clinical testing. Allele origin: germline.
Comment: The p.R315Q variant (also known as c.944G>A), located in coding exon 7 of the KDM1A gene, results from a G to A substitution at nucleotide position 944. The arginine at codon 315 is replaced by glutamine, an amino acid with highly similar properties. This amino acid position is conserved. In addition, this alteration is predicted to be deleterious by in silico analysis. Based on the available evidence, the clinical significance of this variant remains unclear.

Labcorp Genetics (formerly Invitae), Labcorp
Classification: Uncertain significance. Last evaluated: 2024-02-04. Review status: criteria provided, single submitter. Criteria: Invitae Variant Classification Sherloc (09022015). Collection method: clinical testing. Allele origin: germline.
Comment: This sequence change replaces arginine, which is basic and polar, with glutamine, which is neutral and polar, at codon 315 of the KDM1A protein (p.Arg315Gln). This variant is not present in population databases (gnomAD no frequency). This variant has not been reported in the literature in individuals affected with KDM1A-related conditions. Advanced modeling of protein sequence and biophysical properties (such as structural, functional, and spatial information, amino acid conservation, physicochemical variation, residue mobility, and thermodynamic stability) performed at Invitae indicates that this missense variant is not expected to disrupt KDM1A protein function with a negative predictive value of 80%. In summary, the available evidence is currently insufficient to determine the role of this variant in disease. Therefore, it has been classified as a Variant of Uncertain Significance.